The following is an entry in ClinVar:

ClinVar aggregate classification (germline): Benign/Likely benign. Review status: criteria provided, multiple submitters, no conflicts (2 of 4 stars). 8 submissions from 8 submitters: Benign (6); Likely benign (2). Last evaluated 2026-02-04.

Conditions:
Combined immunodeficiency due to LRBA deficiency. Also called: Common variable immunodeficiency 8, with autoimmunity. Identifiers: Orphanet 445018, MedGen C3553512, MONDO:0013863, OMIM 614700.

Allele frequency attached by ClinVar (database versions not stated): 1000 Genomes Project 30x 0.13773; 1000 Genomes Project 0.14217; TOPMed 0.17809; gnomAD 0.18466 and 0.18590; ESP Exome Variant Server 0.19499; gnomAD exomes 0.20107 and 0.25470; ExAC 0.20277.
gnomAD v4.1: 399,121 of 1,613,782 alleles (25%); highest among the groups gnomAD compares: East Asian, 28%; 53,568 homozygotes.

Submissions (8):

Labcorp Genetics (formerly Invitae), Labcorp
Classification: Benign for Combined immunodeficiency due to LRBA deficiency. Last evaluated: 2026-02-04. Review status: criteria provided, single submitter. Criteria: Invitae Variant Classification Sherloc (09022015). Collection method: clinical testing. Allele origin: germline.

Women's Health and Genetics/Laboratory Corporation of America, LabCorp
Classification: Likely benign. Last evaluated: 2026-01-21. Review status: criteria provided, single submitter. Criteria: LabCorp Variant Classification Summary - May 2015. Collection method: clinical testing. Allele origin: germline.

Blueprint Genetics
Classification: Likely benign. Last evaluated: 2024-11-26. Review status: criteria provided, single submitter. Criteria: ACMG Guidelines, 2015. Collection method: clinical testing. Allele origin: germline.

Unidad de Genómica Garrahan, Hospital de Pediatría Garrahan
Classification: Benign. Last evaluated: 2023-11-12. Review status: criteria provided, single submitter. Criteria: ACMG Guidelines, 2015. Collection method: clinical testing. Allele origin: germline. Affected: no. Observed: 30 variant alleles.
Comment: This variant is classified as Benign based on local population frequency. This variant was detected in 31% of patients studied by a panel of primary immunodeficiencies. Number of patients: 30. Only high quality variants are reported.

GeneDx
Classification: Benign. Last evaluated: 2021-06-09. Review status: criteria provided, single submitter. Criteria: GeneDx Variant Classification Process June 2021. Collection method: clinical testing. Allele origin: germline. Affected: yes.

Mayo Clinic Laboratories, Mayo Clinic
Classification: Benign. Last evaluated: 2016-09-30. Review status: criteria provided, single submitter. Criteria: ACMG Guidelines, 2015. Collection method: clinical testing. Allele origin: germline. Observed: 431 variant alleles.

Laboratory for Molecular Medicine, Mass General Brigham Personalized Medicine
Classification: Benign. Last evaluated: 2016-03-29. Review status: criteria provided, single submitter. Criteria: LMM Criteria. Collection method: clinical testing. Allele origin: germline.
Comment: Variant identified in a genome or exome case(s) and assessed due to predicted null impact of the variant or pathogenic assertions in the literature or databases. Disclaimer: This variant has not undergone full assessment. The following are preliminary notes: Frequency

Breakthrough Genomics
Classification: Benign. Review status: criteria provided, single submitter. Criteria: ACMG Guidelines, 2015. Collection method: not provided. Allele origin: germline. Inheritance: Autosomal recessive inheritance. Affected: yes.

NM_001364905.1(LRBA):c.8393C>T (p.Ser2798Leu)

Gene: LRBA (LPS responsive beige-like anchor protein; minus strand). Cytogenetic location: 4q31.3.
Variant type: single nucleotide variant.
Coding change: c.8393C>T on transcript NM_001364905.1 (MANE Select); coding-DNA position 8393, C replaced by T.
Protein change: p.Ser2798Leu; replaces serine 2798 with leucine.
Molecular consequence: missense variant.
Genome position (GRCh38, 1-based): chr4:150,277,928, G>A on the plus strand (C>T on the coding strand, the complement: LRBA is on the minus strand). VCF-style: chr4-150277928-G-A. GRCh37 (hg19) VCF-style: chr4-151199080-G-A.
Other names: c.8390C>T, p.Ser2797Leu (NM_001199282.3); c.8408C>T, p.Ser2803Leu (NM_001367550.1); c.8426C>T, p.Ser2809Leu (NM_006726.5); short protein forms S2809L, S2797L, S2798L, S2803L.
Identifiers: ClinVar variation 403047 (VCV000403047.20), dbSNP rs2290846, ClinGen allele CA3101355.